The following is an entry in ClinVar:

ClinVar aggregate classification (germline): Pathogenic/Likely pathogenic. Review status: criteria provided, multiple submitters, no conflicts (2 of 4 stars). 13 submissions from 12 submitters: Pathogenic (8); Likely pathogenic (4). 1 of the submissions does not count toward it. Last evaluated 2026-08-20.

Conditions:
Rare anaemia.
SPTA1-related disorder. Also called: SPTA1-related condition; SPTA1-related disorders.
Spherocytosis. Identifiers: MedGen C0553720, HP:0004444.
Elliptocytosis 2 (EL2). Also called: ELLIPTOCYTOSIS, RHESUS-UNLINKED TYPE. Identifiers: Orphanet 288, MedGen C1851741, MONDO:0007533, OMIM 130600.

Allele frequency attached by ClinVar (database versions not stated): gnomAD 0.00005 and 0.00006; TOPMed 0.00005.
gnomAD v4.1: 18 of 1,613,700 alleles (0.0011%); highest among the groups gnomAD compares: African/African-American, 0.021%; no homozygotes.

Submissions (13):

North West Genomic Laboratory Hub, Manchester University NHS Foundation Trust
Classification: Likely pathogenic for Rare anaemia. Last evaluated: 2026-08-20. Review status: criteria provided, single submitter. Criteria: ACGS Best Practice Guidelines for Variant Classification in Rare Disease 2024. Collection method: clinical testing. Allele origin: germline. Affected: yes.
Comment: PP3_Supp PS4_Mod PM3_Mod PS3_Supp PM2_Mod PP1_Supp

GeneDx
Classification: Likely pathogenic. Last evaluated: 2026-01-08. Review status: criteria provided, single submitter. Criteria: GeneDx Variant Classification Process June 2021. Collection method: clinical testing. Allele origin: germline. Affected: yes.
Comment: Observed in multiple individuals in published literature with hereditary elliptocytosis, either in the heterozygous or homozygous state and often found in combination with the alpha-LELY (PMID: 8857939, 2794061, 31539204, 37400730); Published functional studies demonstrate that L260P increased the stability of the closed dimer state, reduced tetramer assembly, and resulted in membrane destabilization (PMID: 23241237, 23974198); In silico analysis supports that this missense variant has a deleterious effect on protein structure/function; This variant is associated with the following publications: (PMID: 3597773, 23974198, 2794061, 31130284, 8857939, 31539204, 35150601, 38103590, 37400730, 18815189, 23241237, 32641076)

Ambry Genetics
Classification: Pathogenic. Last evaluated: 2025-12-22. Review status: criteria provided, single submitter. Criteria: Ambry Variant Classification Scheme 2023. Collection method: clinical testing. Allele origin: germline.
Comment: The c.779T>C (p.L260P) alteration is located in exon 6 (coding exon 6) of the SPTA1 gene. This alteration results from a T to C substitution at nucleotide position 779, causing the leucine (L) at amino acid position 260 to be replaced by a proline (P). Based on data from gnomAD, the C allele has an overall frequency of 0.001% (4/280532) total alleles studied. The highest observed frequency was 0.017% (4/24192) of African alleles. This variant was reported as heterozygous, homozygous, and in conjunction with other SPTA1 variants in individuals with features consistent with SPTA1-related hemolytic anemia; in at least one instance, the variants were identified in trans (Alamr, 2025, Pollet, 2020, Tolpinrud, 2008, Mansour-Hendili, 2020, Shome, 2023). This amino acid position is highly conserved in available vertebrate species. In an assay testing SPTA1 function, this variant showed a functionally abnormal result (Harper, 2013). This alteration is predicted to be deleterious by in silico analysis. Based on the available evidence, this alteration is classified as pathogenic.

PreventionGenetics, part of Exact Sciences
Classification: Pathogenic for SPTA1-related condition. Last evaluated: 2025-12-04. Review status: criteria provided, single submitter. Criteria: ACMG Guidelines, 2015. Collection method: clinical testing. Allele origin: germline.
Comment: The SPTA1 c.779T>C variant is predicted to result in the amino acid substitution p.Leu260Pro. This variant has been reported in the heterozygous state in individuals with elliptocytosis (Sahr et al. 1989. PubMed ID: 2794061; Glele-Kakai et al. 1996. PubMed ID: 8857939; Mansour-Hendili et al. 2020. PubMed ID: 32641076; Krishnevskaya et al. 2019. PubMed ID: 31539204). Functional studies demonstrate that this variant reduces capacity of the spectrin protein to form tetramers, resulting in red cell membrane destabilization (Harper et al. 2013. PubMed ID: 23974198). This variant is reported in 0.017% of alleles in individuals of African descent in gnomAD. This variant is interpreted as pathogenic.

Labcorp Genetics (formerly Invitae), Labcorp
Classification: Pathogenic. Last evaluated: 2025-10-24. Review status: criteria provided, single submitter. Criteria: Invitae Variant Classification Sherloc (09022015). Collection method: clinical testing. Allele origin: germline.
Comment: This sequence change replaces leucine, which is neutral and non-polar, with proline, which is neutral and non-polar, at codon 260 of the SPTA1 protein (p.Leu260Pro). This variant is present in population databases (rs121918634, gnomAD 0.02%). This missense change has been observed in individual(s) with autosomal dominant hereditary elliptocytosis and autosomal recessive hereditary pyropoikilocytosis (PMID: 2794061, 8857939, 18815189, 31130284, 31539204, 32641076, 32751168). In at least one individual the data is consistent with being in trans (on the opposite chromosome) from a pathogenic variant. ClinVar contains an entry for this variant (Variation ID: 12844). Invitae Evidence Modeling of protein sequence and biophysical properties (such as structural, functional, and spatial information, amino acid conservation, physicochemical variation, residue mobility, and thermodynamic stability) indicates that this missense variant is expected to disrupt SPTA1 protein function with a positive predictive value of 80%. Experimental studies have shown that this missense change affects SPTA1 function (PMID: 23974198). For these reasons, this variant has been classified as Pathogenic.

Mayo Clinic Laboratories, Mayo Clinic
Classification: Pathogenic. Last evaluated: 2025-03-10. Review status: criteria provided, single submitter. Criteria: ACMG Guidelines, 2015. Collection method: clinical testing. Allele origin: germline. Observed: 24 variant alleles.
Comment: PP1, PP3_moderate, PM4, PS3, PS4_moderate

ARUP Laboratories, Molecular Genetics and Genomics, ARUP Laboratories
Classification: Likely pathogenic. Last evaluated: 2025-02-21. Review status: criteria provided, single submitter. Criteria: ARUP Molecular Germline Variant Investigation Process 2024. Collection method: clinical testing. Allele origin: germline.
Comment: The SPTA1 c.779T>C; p.Leu260Pro variant (rs121918634, ClinVar Variation ID: 12844), also known as p.Leu254Pro, is reported in the literature in multiple individuals affected with hereditary elliptocytosis (Glele-Kakai 1996, Krishnevskaya 2020, Mansour-Hendili 2020, Sahr 1989, Shome 2023). This variant is only observed on four alleles in the Genome Aggregation Database (v2.1.1), indicating it is not a common polymorphism. Functional analyses of the variant protein demonstrate reduced tetramer assembly and red cell membrane stability (Harper 2013, Randles 2013). Computational analyses predict that this variant is deleterious (REVEL: 0.839). Based on available information, this variant is considered to be likely pathogenic. References: Glele-Kakai C et al. Epidemiological studies of spectrin mutations related to hereditary elliptocytosis and spectrin polymorphisms in Benin. Br J Haematol. 1996 Oct. PMID: 8857939 Harper SL et al. The common hereditary elliptocytosis-associated alpha-spectrin L260P mutation perturbs erythrocyte membranes by stabilizing spectrin in the closed dimer conformation. Blood. 2013 Oct 24. PMID: 23974198 Krishnevskaya E et al. Coinheritance of hereditary ellyptocytosis, pyruvate kinase, and glucose-6-phosphate dehidrogenase mutations. A rare anemia diagnostic paradigm. Int J Lab Hematol. 2020 Apr. PMID: 31539204 Mansour-Hendili L et al. Exome sequencing for diagnosis of congenital hemolytic anemia. Orphanet J Rare Dis. 2020 Jul 8. PMID: 32641076 Randles LG et al. Understanding pathogenic single-nucleotide polymorphisms in multidomain proteins--studies of isolated domains are not enough. FEBS J. 2013 Feb. PMID: 23241237 Sahr KE et al. Sequence and exon-intron organization of the DNA encoding the alpha I domain of human spectrin. Application to the study of mutations causing hereditary elliptocytosis. J Clin Invest. 1989 Oct. PMID: 2794061 Shome DK et al. Molecular insights into hereditary elliptocytosis and pyropoikilocytosis: NGS uncovers multiple potential candidate genes. Ann Hematol. 2023 Sep. PMID: 37400730

Dubai Health Genomic Medicine Center, Dubai Health
Classification: Pathogenic for Spherocytosis. Last evaluated: 2024-10-04. Review status: criteria provided, single submitter. Criteria: ACMG Guidelines, 2015. Collection method: research. Allele origin: germline. Affected: yes.
Comment: PS3,PM3(strong),PP4,PM2,PP3

Blueprint Genetics
Classification: Pathogenic for SPTA1-related disorders. Last evaluated: 2024-07-08. Review status: criteria provided, single submitter. Criteria: ACMG Guidelines, 2015. Collection method: clinical testing. Allele origin: germline. Affected: yes. Observed: 5 variant alleles.

Genomic Medicine Center of Excellence, King Faisal Specialist Hospital and Research Centre
Classification: Likely pathogenic for Elliptocytosis 2. Last evaluated: 2024-03-25. Review status: criteria provided, single submitter. Criteria: ACMG Guidelines, 2015. Collection method: research. Allele origin: germline.

Revvity Omics, Revvity
Classification: Pathogenic. Last evaluated: 2023-10-24. Review status: criteria provided, single submitter. Criteria: ACMG Guidelines, 2015. Collection method: clinical testing. Allele origin: germline.

Dubai Health Genomic Medicine Center, Dubai Health
Classification: Pathogenic for Elliptocytosis 2. Last evaluated: 2021-03-29. Review status: criteria provided, single submitter. Criteria: ACMG Guidelines, 2015. Collection method: clinical testing. Allele origin: germline. Affected: yes.
Comment: The p.Leu260Pro missense variant in SPTA1 has been previously reported in the heterozygous state in several individuals with hereditary elliptocytosis (PMIDs: 2794061 8857939 31130284). This variant was also identified in 4/24192 (0.016% 0 homozygotes) African alleles in the Genome Aggregation Database (gnomAD). Functional analysis showed that this variant alters protein dimerization and tetramer assembly resulting in membrane destabilization (PMID: 23974198). Computational prediction tools and conservation analysis suggest an impact to protein function. In summary this variant meets our cirteria to be classified as pathogenic.

OMIM
Classification: Pathogenic for ELLIPTOCYTOSIS 2. Last evaluated: 1989-10-01. Review status: no assertion criteria provided. Collection method: literature only. Allele origin: germline. Not counted in ClinVar's aggregate classification.

Literature cited by the submitters: PubMed 18815189 (cited by Ambry Genetics and Labcorp Genetics (formerly Invitae), Labcorp); PubMed 23974198 (cited by 3 submitters); PubMed 32641076 (cited by 3 submitters); PubMed 32751168 (cited by 3 submitters); PubMed 37400730 (cited by Ambry Genetics and Mayo Clinic Laboratories, Mayo Clinic); PubMed 41020088 (cited by Ambry Genetics); PubMed 2794061 (cited by 3 submitters); PubMed 8857939 (cited by Labcorp Genetics (formerly Invitae), Labcorp and Mayo Clinic Laboratories, Mayo Clinic); PubMed 31130284 (cited by Labcorp Genetics (formerly Invitae), Labcorp); PubMed 31539204 (cited by Labcorp Genetics (formerly Invitae), Labcorp and Mayo Clinic Laboratories, Mayo Clinic); PubMed 3597773 (cited by OMIM).

NM_003126.4(SPTA1):c.779T>C (p.Leu260Pro)

Gene: SPTA1 (spectrin alpha, erythrocytic 1; minus strand). Cytogenetic location: 1q23.1.
Variant type: single nucleotide variant.
Coding change: c.779T>C on transcript NM_003126.4 (MANE Select); coding-DNA position 779, T replaced by C.
Protein change: p.Leu260Pro; replaces leucine 260 with proline.
Molecular consequence: missense variant.
Genome position (GRCh38, 1-based): chr1:158,678,434, A>G on the plus strand (T>C on the coding strand, the complement: SPTA1 is on the minus strand). VCF-style: chr1-158678434-A-G. GRCh37 (hg19) VCF-style: chr1-158648224-A-G.
Other names: short protein forms L260P.
Identifiers: ClinVar variation 12844 (VCV000012844.36), dbSNP rs121918634, ClinGen allele CA122747.
Genomic context (GRCh38, chr1:158,678,434, plus strand): 5'-TCTATAAAGCAGTGGCCAGATCCATACCTTTTGAATCGTTGTAAGTTTGCAGCATTGGAC[A>G]GAGCTTTCTGTCTCTGGAGAGCCAAACCACGAAGGCGCTCCCAGGCAGCATTCACCTCAT-3'
Protein context (NP_003117.2, residues 250-270): RGLALQRQKA[Leu260Pro]SNAANLQRFK